The following is an entry in ClinVar:

ClinVar aggregate classification (germline): Uncertain significance (1 of 4 stars; one submission).

Conditions:
Autosomal dominant nonsyndromic hearing loss 65. Also called: Deafness, autosomal dominant 65; TBC1D24-Related Autosomal Dominant Nonsyndromic Hearing Loss (DFNA). Identifiers: Orphanet 90635, MedGen C3892048, MONDO:0014470, OMIM 616044.
Developmental and epileptic encephalopathy, 1 (DEE1). Also called: INFANTILE SPASM SYNDROME, X-LINKED 1; X-linked infantile spasms; West's syndrome; Tonic spasms with clustering, arrest of psychomotor development and hypsarrhythmia on EEG; X-Linked Infantile Spasm Syndrome; OHTAHARA SYNDROME, X-LINKED. Identifiers: MedGen C3463992, MONDO:0010632, OMIM 308350. Disease mechanism: loss of function.

Submission:

Labcorp Genetics (formerly Invitae), Labcorp
Classification: Uncertain significance for Developmental and epileptic encephalopathy, 1; Autosomal dominant nonsyndromic hearing loss 65. Last evaluated: 2023-07-18. Review status: criteria provided, single submitter. Criteria: Invitae Variant Classification Sherloc (09022015). Collection method: clinical testing. Allele origin: germline.
Comment: This variant is not present in population databases (gnomAD no frequency). In summary, the available evidence is currently insufficient to determine the role of this variant in disease. Therefore, it has been classified as a Variant of Uncertain Significance. Advanced modeling of protein sequence and biophysical properties (such as structural, functional, and spatial information, amino acid conservation, physicochemical variation, residue mobility, and thermodynamic stability) performed at Invitae indicates that this missense variant is not expected to disrupt TBC1D24 protein function. This variant has not been reported in the literature in individuals affected with TBC1D24-related conditions. This sequence change replaces proline, which is neutral and non-polar, with serine, which is neutral and polar, at codon 457 of the TBC1D24 protein (p.Pro457Ser).

NM_001199107.2(TBC1D24):c.1369C>T (p.Pro457Ser)

Gene: TBC1D24 (TBC1 domain family member 24; plus strand). Cytogenetic location: 16p13.3.
Variant type: single nucleotide variant.
Coding change: c.1369C>T on transcript NM_001199107.2 (MANE Select); coding-DNA position 1369, C replaced by T.
Protein change: p.Pro457Ser; replaces proline 457 with serine.
Molecular consequence: missense variant.
Genome position (GRCh38, 1-based): chr16:2,500,334, C>T. VCF-style: chr16-2500334-C-T. GRCh37 (hg19) VCF-style: chr16-2550335-C-T.
Other names: c.1351C>T, p.Pro451Ser (NM_020705.3); short protein forms P451S, P457S.
Identifiers: ClinVar variation 2950023 (VCV002950023.3), dbSNP rs2505526555, ClinGen allele CA394380694.